The following is an entry in ClinVar:

NM_032620.4(GTPBP3):c.512C>A (p.Ala171Glu)

Gene: GTPBP3 (GTP binding protein 3, mitochondrial; plus strand). Cytogenetic location: 19p13.11.
Variant type: single nucleotide variant.
Coding change: c.512C>A on transcript NM_032620.4 (MANE Select); coding-DNA position 512, C replaced by A.
Protein change: p.Ala171Glu; replaces alanine 171 with glutamic acid.
Molecular consequence: missense variant.
Genome position (GRCh38, 1-based): chr19:17,338,662, C>A. VCF-style: chr19-17338662-C-A. GRCh37 (hg19) VCF-style: chr19-17449471-C-A.
Other names: c.512C>A, p.Ala171Glu (NM_001128855.3, NM_133644.4); c.578C>A, p.Ala193Glu (NM_001195422.1); short protein forms A171E, A193E.
Identifiers: ClinVar variation 1804576 (VCV001804576.1), dbSNP rs1437542890, ClinGen allele CA404733319.
Genomic context (GRCh38, chr19:17,338,662, plus strand): 5'-GGAAGCTGAACCTGACCGAAGTGGAGGGGCTGGCGGACCTTATCCACGCGGAAACAGAGG[C>A]GCAGCGGCGGCAGGCCCTCAGGCAGCTGGACGGAGAGCTGGGCCACCTCTGCCGTGGCTG-3'
Protein context (NP_116009.2, residues 161-181): LADLIHAETE[Ala171Glu]QRRQALRQLD

ClinVar aggregate classification (germline): Uncertain significance (1 of 4 stars; one submission).

Submission:

GeneDx
Classification: Uncertain significance. Last evaluated: 2022-06-16. Review status: criteria provided, single submitter. Criteria: GeneDx Variant Classification Process June 2021. Collection method: clinical testing. Allele origin: germline. Affected: yes.
Comment: Not observed at significant frequency in large population cohorts (gnomAD); In silico analysis supports that this missense variant has a deleterious effect on protein structure/function; Has not been previously published as pathogenic or benign to our knowledge